The following is an entry in ClinVar:

NM_000094.4(COL7A1):c.7507G>A (p.Glu2503Lys)

Gene: COL7A1 (collagen type VII alpha 1 chain; minus strand). Cytogenetic location: 3p21.31.
Variant type: single nucleotide variant.
Coding change: c.7507G>A on transcript NM_000094.4 (MANE Select); coding-DNA position 7507, G replaced by A.
Protein change: p.Glu2503Lys; replaces glutamic acid 2503 with lysine.
Molecular consequence: missense variant.
Genome position (GRCh38, 1-based): chr3:48,569,894, C>T on the plus strand (G>A on the coding strand, the complement: COL7A1 is on the minus strand). VCF-style: chr3-48569894-C-T. GRCh37 (hg19) VCF-style: chr3-48607327-C-T.
Other names: short protein forms E2503K.
Identifiers: ClinVar variation 1948648 (VCV001948648.2), dbSNP rs1428412164, ClinGen allele CA352645291.

ClinVar aggregate classification (germline): Uncertain significance (1 of 4 stars; one submission).

Submission:

Labcorp Genetics (formerly Invitae), Labcorp
Classification: Uncertain significance. Last evaluated: 2022-10-16. Review status: criteria provided, single submitter. Criteria: Invitae Variant Classification Sherloc (09022015). Collection method: clinical testing. Allele origin: germline.
Comment: This sequence change replaces glutamic acid, which is acidic and polar, with lysine, which is basic and polar, at codon 2503 of the COL7A1 protein (p.Glu2503Lys). This variant is not present in population databases (gnomAD no frequency). This variant has not been reported in the literature in individuals affected with COL7A1-related conditions. Advanced modeling of protein sequence and biophysical properties (such as structural, functional, and spatial information, amino acid conservation, physicochemical variation, residue mobility, and thermodynamic stability) performed at Invitae indicates that this missense variant is not expected to disrupt COL7A1 protein function. In summary, the available evidence is currently insufficient to determine the role of this variant in disease. Therefore, it has been classified as a Variant of Uncertain Significance.